The following is an entry in ClinVar:

ClinVar aggregate classification (germline): Uncertain significance. Review status: criteria provided, multiple submitters, no conflicts (2 of 4 stars). 2 submissions from 2 submitters: Uncertain significance (2). Last evaluated 2022-06-13.

Allele frequency attached by ClinVar (database versions not stated): TOPMed below 0.00001; gnomAD 0.00001; gnomAD exomes 0.00001 and 0.00002; ExAC 0.00002.
gnomAD v4.1: 27 of 1,614,012 alleles (0.0017%); highest among the groups gnomAD compares: Non-Finnish European, 0.0022%; no homozygotes.

Submissions (2):

Blueprint Genetics
Classification: Uncertain significance. Last evaluated: 2022-06-13. Review status: criteria provided, single submitter. Criteria: ACMG Guidelines, 2015. Collection method: clinical testing. Allele origin: germline.

Labcorp Genetics (formerly Invitae), Labcorp
Classification: Uncertain significance. Last evaluated: 2022-03-29. Review status: criteria provided, single submitter. Criteria: Invitae Variant Classification Sherloc (09022015). Collection method: clinical testing. Allele origin: germline.
Comment: Algorithms developed to predict the effect of missense changes on protein structure and function are either unavailable or do not agree on the potential impact of this missense change (SIFT: "Tolerated"; PolyPhen-2: "Probably Damaging"; Align-GVGD: "Class C0"). ClinVar contains an entry for this variant (Variation ID: 836137). This variant has not been reported in the literature in individuals affected with SLC7A14-related conditions. This variant is present in population databases (rs200522711, gnomAD 0.002%). This sequence change replaces tyrosine, which is neutral and polar, with histidine, which is basic and polar, at codon 187 of the SLC7A14 protein (p.Tyr187His). In summary, the available evidence is currently insufficient to determine the role of this variant in disease. Therefore, it has been classified as a Variant of Uncertain Significance.

NM_020949.3(SLC7A14):c.559T>C (p.Tyr187His)

Genes: SLC7A14 (solute carrier family 7 member 14; minus strand), SLC7A14-AS1 (SLC7A14 antisense RNA 1; plus strand). Cytogenetic location: 3q26.2.
Variant type: single nucleotide variant.
Coding change: c.559T>C on transcript NM_020949.3 (MANE Select); coding-DNA position 559, T replaced by C.
Protein change: p.Tyr187His; replaces tyrosine 187 with histidine.
Molecular consequence: missense variant.
Genome position (GRCh38, 1-based): chr3:170,498,867, A>G on the plus strand (T>C on the coding strand, the complement: SLC7A14 is on the minus strand). VCF-style: chr3-170498867-A-G. GRCh37 (hg19) VCF-style: chr3-170216656-A-G.
Other names: short protein forms Y187H.
Identifiers: ClinVar variation 836137 (VCV000836137.10), dbSNP rs200522711, ClinGen allele CA2701886.
Genomic context (GRCh38, chr3:170,498,867, plus strand): 5'-CCCCCAGAGCAACAATGATGGTCACGATGACCGCGATCAACAGAGCCAGAAGGTCTGGGT[A>G]TGATTCTTCACCTTTCCCTAGAGAGGAAAGACATGATTTGACATTGTCTGGAGGGAAGAA-3'
Protein context (NP_066000.2, residues 177-197): LNGLGKGEES[Tyr187His]PDLLALLIAV